The following is an entry in ClinVar:

ClinVar aggregate classification (germline): Uncertain significance (1 of 4 stars; one submission).

Allele frequency attached by ClinVar (database versions not stated): gnomAD exomes below 0.00001.
gnomAD v4.1: 3 of 1,611,630 alleles (0.00019%); highest among the groups gnomAD compares: African/African-American, 0.0013%; no homozygotes.

Submission:

GeneDx
Classification: Uncertain significance. Last evaluated: 2023-03-24. Review status: criteria provided, single submitter. Criteria: GeneDx Variant Classification Process June 2021. Collection method: clinical testing. Allele origin: germline. Affected: yes.
Comment: Not observed at significant frequency in large population cohorts (gnomAD); In silico analysis supports that this missense variant has a deleterious effect on protein structure/function; Has not been previously published as pathogenic or benign to our knowledge

NM_000548.5(TSC2):c.3325C>T (p.Pro1109Ser)

Gene: TSC2 (TSC complex subunit 2; plus strand). Cytogenetic location: 16p13.3.
Variant type: single nucleotide variant.
Coding change: c.3325C>T on transcript NM_000548.5 (MANE Select); coding-DNA position 3325, C replaced by T.
Protein change: p.Pro1109Ser; replaces proline 1109 with serine.
Molecular consequence: missense variant. On other transcripts: non-coding transcript variant (5).
Genome position (GRCh38, 1-based): chr16:2,079,597, C>T. VCF-style: chr16-2079597-C-T. GRCh37 (hg19) VCF-style: chr16-2129598-C-T.
Other names: c.3193C>T, p.Pro1065Ser (NM_001077183.3, NM_001370404.1, NM_001406665.1); c.3325C>T, p.Pro1109Ser (NM_001114382.3); c.3085C>T, p.Pro1029Ser (NM_001318827.2); c.3049C>T, p.Pro1017Ser (NM_001318829.2); c.2593C>T, p.Pro865Ser (NM_001318831.2, NM_001406687.1, NM_001406688.1); c.3226C>T, p.Pro1076Ser (NM_001318832.2); c.3196C>T, p.Pro1066Ser (NM_001363528.2, NM_001370405.1, NM_021055.3); c.3322C>T, p.Pro1108Ser (NM_001406663.1, NM_001406664.1); and 18 more; short protein forms P1016S, P1017S, P1028S, P1029S, P1046S, P1059S, P1060S, P1061S.
Identifiers: ClinVar variation 2580677 (VCV002580677.1), dbSNP rs1555510880, ClinGen allele CA394286596.
Genomic context (GRCh38, chr16:2,079,597, plus strand): 5'-GCGTGGGATTCTCTTCTCAGCTCCAGCCCCGGGGTGCATGTGAGACAGACCAAGGAGGCG[C>T]CGGCCAAGCTGGAGTCCCAGGCTGGGCAGCAGGTGTCCCGTGGGGCCCGGGATCGGGTCC-3'
Protein context (NP_000539.2, residues 1099-1119): GVHVRQTKEA[Pro1109Ser]AKLESQAGQQ